The following is an entry in ClinVar:

NM_206933.4(USH2A):c.14293G>T (p.Val4765Phe)

Gene: USH2A (usherin; minus strand). Cytogenetic location: 1q41.
Variant type: single nucleotide variant.
Coding change: c.14293G>T on transcript NM_206933.4 (MANE Select); coding-DNA position 14293, G replaced by T.
Protein change: p.Val4765Phe; replaces valine 4765 with phenylalanine.
Molecular consequence: missense variant.
Genome position (GRCh38, 1-based): chr1:215,650,642, C>A on the plus strand (G>T on the coding strand, the complement: USH2A is on the minus strand). VCF-style: chr1-215650642-C-A. GRCh37 (hg19) VCF-style: chr1-215823984-C-A.
Other names: short protein forms V4765F.
Identifiers: ClinVar variation 4800024 (VCV004800024.2).
Genomic context (GRCh38, chr1:215,650,642, plus strand): 5'-TGCTGCTCACCACTGTCTCAGCCCCATGGGCGCTGCTGGAGAACAGCCTGTAGAGACTGA[C>A]GATCCCGTTGGGCTTCCCAGGGGCACTGATGTTGACCACTGCTTGGGTAGAAGAGATCAC-3'
Protein context (NP_996816.3, residues 4755-4775): ISAPGKPNGI[Val4765Phe]SLYRLFSSSA

ClinVar aggregate classification (germline): Uncertain significance. Review status: criteria provided, multiple submitters, no conflicts (2 of 4 stars). 2 submissions from 2 submitters: Uncertain significance (2). Last evaluated 2025-11-19.

Submissions (2):

Labcorp Genetics (formerly Invitae), Labcorp
Classification: Uncertain significance. Last evaluated: 2025-11-19. Review status: criteria provided, single submitter. Criteria: Invitae Variant Classification Sherloc (09022015). Collection method: clinical testing. Allele origin: germline.
Comment: This sequence change replaces valine, which is neutral and non-polar, with phenylalanine, which is neutral and non-polar, at codon 4765 of the USH2A protein (p.Val4765Phe). This variant is not present in population databases (gnomAD no frequency). This variant has not been reported in the literature in individuals affected with USH2A-related conditions. Invitae Evidence Modeling of protein sequence and biophysical properties (such as structural, functional, and spatial information, amino acid conservation, physicochemical variation, residue mobility, and thermodynamic stability) indicates that this missense variant is not expected to disrupt USH2A protein function with a negative predictive value of 95%. This variant disrupts the p.Val4765 amino acid residue in USH2A. Other variant(s) that disrupt this residue have been determined to be pathogenic (PMID: 30054919; internal data). This suggests that this residue is clinically significant, and that variants that disrupt this residue are likely to be disease-causing. In summary, the available evidence is currently insufficient to determine the role of this variant in disease. Therefore, it has been classified as a Variant of Uncertain Significance.

Blueprint Genetics
Classification: Uncertain significance. Last evaluated: 2019-03-19. Review status: criteria provided, single submitter. Criteria: ACMG Guidelines, 2015. Collection method: clinical testing. Allele origin: germline.

Literature cited by the submitters: PubMed 30054919 (cited by Labcorp Genetics (formerly Invitae), Labcorp).